The following is an entry in ClinVar:

NM_144668.6(CFAP251):c.562C>T (p.Arg188Trp)

Gene: CFAP251 (cilia and flagella associated protein 251; plus strand). Cytogenetic location: 12q24.31.
Variant type: single nucleotide variant.
Coding change: c.562C>T on transcript NM_144668.6 (MANE Select); coding-DNA position 562, C replaced by T.
Protein change: p.Arg188Trp; replaces arginine 188 with tryptophan.
Molecular consequence: missense variant.
Genome position (GRCh38, 1-based): chr12:121,923,805, C>T. VCF-style: chr12-121923805-C-T. GRCh37 (hg19) VCF-style: chr12-122361711-C-T.
Other names: c.562C>T, p.Arg188Trp (NM_001178003.2); c.562C>T (NM_144668.5); short protein forms R188W.
Identifiers: ClinVar variation 2643490 (VCV002643490.25), dbSNP rs34703321, ClinGen allele CA6840355.

ClinVar aggregate classification (germline): Likely benign. Review status: criteria provided, single submitter (1 of 4 stars). 2 submissions from 2 submitters: Likely benign (1). 1 of the submissions does not count toward it. Last evaluated 2025-08-01.

Conditions:
CFAP251-related disorder. Also called: CFAP251-related condition.

Allele frequency attached by ClinVar (database versions not stated): 1000 Genomes Project 30x 0.00187; 1000 Genomes Project 0.00220; ExAC 0.00473; TOPMed 0.00494; gnomAD 0.00515; ESP Exome Variant Server 0.00637; gnomAD exomes 0.00814.
gnomAD v4.1: 12,583 of 1,614,014 alleles (0.78%); highest among the groups gnomAD compares: Non-Finnish European, 0.97%; 57 homozygotes.

Submissions (2):

CeGaT Center for Human Genetics Tuebingen
Classification: Likely benign. Last evaluated: 2025-08-01. Review status: criteria provided, single submitter. Criteria: CeGaT Center For Human Genetics Tuebingen Variant Classification Criteria Version 2. Collection method: clinical testing. Allele origin: germline. Affected: yes. Observed: 3 variant alleles.
Comment: CFAP251: BP4, BS2

PreventionGenetics, part of Exact Sciences
Classification: Likely benign for CFAP251-related condition. Last evaluated: 2020-10-06. Review status: no assertion criteria provided. Collection method: clinical testing. Allele origin: germline. Not counted in ClinVar's aggregate classification.
Comment: This variant is classified as likely benign based on ACMG/AMP sequence variant interpretation guidelines (Richards et al. 2015 PMID: 25741868, with internal and published modifications).